The following is an entry in ClinVar:

ClinVar aggregate classification (germline): Uncertain significance (1 of 4 stars; one submission).

Conditions:
Inborn genetic diseases. Identifiers: MedGen C0950123, MeSH D030342.

gnomAD v4.1: 2 of 1,613,580 alleles (0.00012%); highest among the groups gnomAD compares: African/African-American, 0.0027%; no homozygotes.

Submission:

Ambry Genetics
Classification: Uncertain significance for Inborn genetic diseases. Last evaluated: 2025-05-01. Review status: criteria provided, single submitter. Criteria: Ambry Variant Classification Scheme 2023. Collection method: clinical testing. Allele origin: germline.
Comment: The p.S1224P variant (also known as c.3670T>C), located in coding exon 1 of the SAMD9L gene, results from a T to C substitution at nucleotide position 3670. The serine at codon 1224 is replaced by proline, an amino acid with similar properties. This amino acid position is conserved. In addition, this alteration is predicted to be tolerated by in silico analysis. Based on the available evidence, the clinical significance of this variant remains unclear.

NM_152703.5(SAMD9L):c.3670T>C (p.Ser1224Pro)

Gene: SAMD9L (sterile alpha motif domain containing 9 like; minus strand). Cytogenetic location: 7q21.2.
Variant type: single nucleotide variant.
Coding change: c.3670T>C on transcript NM_152703.5 (MANE Select); coding-DNA position 3670, T replaced by C.
Protein change: p.Ser1224Pro; replaces serine 1224 with proline.
Molecular consequence: missense variant.
Genome position (GRCh38, 1-based): chr7:93,132,302, A>G on the plus strand (T>C on the coding strand, the complement: SAMD9L is on the minus strand). VCF-style: chr7-93132302-A-G. GRCh37 (hg19) VCF-style: chr7-92761615-A-G.
Other names: c.3670T>C, p.Ser1224Pro (NM_001303496.3, NM_001303497.3, NM_001303498.3 and 5 more transcripts); short protein forms S1224P.
Identifiers: ClinVar variation 3949887 (VCV003949887.1).